The following is an entry in ClinVar:

ClinVar aggregate classification (germline): Uncertain significance (1 of 4 stars; one submission).

Conditions:
Hereditary cancer-predisposing syndrome. Also called: Neoplastic Syndromes, Hereditary; Tumor predisposition; Hereditary neoplastic syndrome; Hereditary Cancer Syndrome. Identifiers: Orphanet 140162, MedGen C0027672, MeSH D009386, MONDO:0015356.

Submission:

Ambry Genetics
Classification: Uncertain significance for Hereditary cancer-predisposing syndrome. Last evaluated: 2025-07-04. Review status: criteria provided, single submitter. Criteria: Ambry Variant Classification Scheme 2023. Collection method: clinical testing. Allele origin: germline.
Comment: The p.E2711G variant (also known as c.8132A>G), located in coding exon 54 of the ATM gene, results from an A to G substitution at nucleotide position 8132. The glutamic acid at codon 2711 is replaced by glycine, an amino acid with similar properties. This amino acid position is conserved. In addition, the in silico prediction for this alteration is inconclusive. Based on the available evidence, the clinical significance of this variant remains unclear.

NM_000051.4(ATM):c.8132A>G (p.Glu2711Gly)

Genes: ATM (ATM serine/threonine kinase; plus strand), C11orf65 (chromosome 11 open reading frame 65; minus strand). Cytogenetic location: 11q22.3.
Variant type: single nucleotide variant.
Coding change: c.8132A>G on transcript NM_000051.4 (MANE Select); coding-DNA position 8132, A replaced by G.
Protein change: p.Glu2711Gly; replaces glutamic acid 2711 with glycine.
Molecular consequence: missense variant. On other transcripts: intron variant (2).
Genome position (GRCh38, 1-based): chr11:108,335,090, A>G. VCF-style: chr11-108335090-A-G. GRCh37 (hg19) VCF-style: chr11-108205817-A-G.
Other names: c.8132A>G, p.Glu2711Gly (NM_001351834.2); c.641-26019T>C (NM_001330368.2); c.*38+130T>C (NM_001351110.2); short protein forms E2711G.
Identifiers: ClinVar variation 4169125 (VCV004169125.1).